The following is an entry in ClinVar:

ClinVar aggregate classification (germline): Uncertain significance. Review status: criteria provided, single submitter (1 of 4 stars). 2 submissions from 2 submitters: Uncertain significance (1). 1 of the submissions does not count toward it. Last evaluated 2022-10-21.

Conditions:
X-linked Alport syndrome (ATS1). Also called: NEPHROPATHY AND DEAFNESS, X-LINKED; COL4A5-Related Nephropathy. Identifiers: Orphanet 63, Orphanet 88917, MedGen C4746986, MONDO:0010520, OMIM 301050.

Submissions (2):

Labcorp Genetics (formerly Invitae), Labcorp
Classification: Uncertain significance. Last evaluated: 2022-10-21. Review status: criteria provided, single submitter. Criteria: Invitae Variant Classification Sherloc (09022015). Collection method: clinical testing. Allele origin: germline.
Comment: This variant is not present in population databases (gnomAD no frequency). In summary, the available evidence is currently insufficient to determine the role of this variant in disease. Therefore, it has been classified as a Variant of Uncertain Significance. Algorithms developed to predict the effect of sequence changes on RNA splicing suggest that this variant may disrupt the consensus splice site. This variant has not been reported in the literature in individuals affected with COL4A5-related conditions. This sequence change falls in intron 49 of the COL4A5 gene. It does not directly change the encoded amino acid sequence of the COL4A5 protein.

Prenatal Diagnosis Center, Inner Mongolia Medical University
Classification: Pathogenic for X-linked Alport syndrome. Last evaluated: 2021-01-08. Review status: no assertion criteria provided. Collection method: clinical testing. Allele origin: de novo. Affected: yes. Observed: 1 variant allele. Not counted in ClinVar's aggregate classification.

NM_033380.3(COL4A5):c.4822-10T>C

Gene: COL4A5 (collagen type IV alpha 5 chain; plus strand). Cytogenetic location: Xq22.3.
Variant type: single nucleotide variant.
Coding change: c.4822-10T>C on transcript NM_033380.3 (MANE Select); 10 bases into the intron before coding-DNA position 4822, T replaced by C.
Molecular consequence: intron variant.
Genome position (GRCh38, 1-based): chrX:108,695,257, T>C. VCF-style: chrX-108695257-T-C. GRCh37 (hg19) VCF-style: chrX-107938487-T-C.
Other names: c.4804-10T>C (NM_000495.5).
Identifiers: ClinVar variation 1711185 (VCV001711185.6), dbSNP rs2524653564, ClinGen allele CA2580100249.